The following is an entry in ClinVar:

NM_016180.5(SLC45A2):c.256C>T (p.Pro86Ser)

Gene: SLC45A2 (solute carrier family 45 member 2; minus strand). Cytogenetic location: 5p13.2.
Variant type: single nucleotide variant.
Coding change: c.256C>T on transcript NM_016180.5 (MANE Select); coding-DNA position 256, C replaced by T.
Protein change: p.Pro86Ser; replaces proline 86 with serine.
Molecular consequence: missense variant.
Genome position (GRCh38, 1-based): chr5:33,984,328, G>A on the plus strand (C>T on the coding strand, the complement: SLC45A2 is on the minus strand). VCF-style: chr5-33984328-G-A. GRCh37 (hg19) VCF-style: chr5-33984433-G-A.
Other names: c.256C>T, p.Pro86Ser (NM_001012509.4, NM_001297417.4); short protein forms P86S.
Identifiers: ClinVar variation 1463911 (VCV001463911.6), dbSNP rs1753173801, ClinGen allele CA359397497.

ClinVar aggregate classification (germline): Uncertain significance (1 of 4 stars; one submission).

Allele frequency attached by ClinVar (database versions not stated): gnomAD exomes below 0.00001; TOPMed below 0.00001.

Submission:

Labcorp Genetics (formerly Invitae), Labcorp
Classification: Uncertain significance. Last evaluated: 2021-09-08. Review status: criteria provided, single submitter. Criteria: Invitae Variant Classification Sherloc (09022015). Collection method: clinical testing. Allele origin: germline.
Comment: This missense change has been observed in individual(s) with clinical features of ocular albinism (Invitae). In at least one individual the data is consistent with the variant being in trans (on the opposite chromosome) from a pathogenic variant. This sequence change replaces proline with serine at codon 86 of the SLC45A2 protein (p.Pro86Ser). The proline residue is highly conserved and there is a moderate physicochemical difference between proline and serine. This variant is not present in population databases (ExAC no frequency). Algorithms developed to predict the effect of missense changes on protein structure and function are either unavailable or do not agree on the potential impact of this missense change (SIFT: "Deleterious"; PolyPhen-2: "Probably Damaging"; Align-GVGD: "Class C0"). In summary, the available evidence is currently insufficient to determine the role of this variant in disease. Therefore, it has been classified as a Variant of Uncertain Significance.